The following is an entry in ClinVar:

ClinVar aggregate classification (germline): Uncertain significance (1 of 4 stars; one submission).

Conditions:
Hereditary cancer-predisposing syndrome. Also called: Hereditary Cancer Syndrome; Neoplastic Syndromes, Hereditary; Tumor predisposition; Hereditary neoplastic syndrome. Identifiers: Orphanet 140162, MedGen C0027672, MeSH D009386, MONDO:0015356.

Submission:

Ambry Genetics
Classification: Uncertain significance for Hereditary cancer-predisposing syndrome. Last evaluated: 2026-07-28. Review status: criteria provided, single submitter. Criteria: Ambry Variant Classification Scheme 2023. Collection method: clinical testing. Allele origin: germline.
Comment: The c.1006G>C variant (also known as p.V336L), located in coding exon 8 of the EGFR gene, results from a G to C substitution at nucleotide position 1006. The valine at codon 336 is replaced by leucine, an amino acid with highly similar properties. However, this change occurs in the last base pair of coding exon 8, which makes it likely to have some effect on normal mRNA splicing. This nucleotide position is highly conserved in available vertebrate species. This amino acid position is well conserved in available vertebrate species. In silico splice site analysis predicts that this alteration will weaken the native splice donor site and will result in the creation or strengthening of a novel splice donor site. In addition, as a missense substitution this is predicted to be inconclusive by in silico analysis. Based on the available evidence, the clinical significance of this variant remains unclear.

NM_005228.5(EGFR):c.1006G>C (p.Val336Leu)

Gene: EGFR (epidermal growth factor receptor; plus strand). Cytogenetic location: 7p11.2.
Variant type: single nucleotide variant.
Coding change: c.1006G>C on transcript NM_005228.5 (MANE Select); coding-DNA position 1006, G replaced by C.
Protein change: p.Val336Leu; replaces valine 336 with leucine.
Molecular consequence: missense variant.
Genome position (GRCh38, 1-based): chr7:55,155,946, G>C. VCF-style: chr7-55155946-G-C. GRCh37 (hg19) VCF-style: chr7-55223639-G-C.
Other names: c.871G>C, p.Val291Leu (NM_001346897.2, NM_001346899.2); c.1006G>C, p.Val336Leu (NM_001346898.2, NM_201282.2, NM_201283.2 and 1 more transcripts); c.847G>C, p.Val283Leu (NM_001346900.2); c.205G>C, p.Val69Leu (NM_001346941.2); short protein forms V283L, V291L, V69L, V336L.
Identifiers: ClinVar variation 5035803 (VCV005035803.1).